The following is an entry in ClinVar:

ClinVar aggregate classification (germline): Pathogenic. Review status: criteria provided, single submitter (1 of 4 stars). 2 submissions from 2 submitters: Pathogenic (1). 1 of the submissions does not count toward it. Last evaluated 2021-08-17.

Conditions:
Cardiovascular phenotype. Identifiers: MedGen CN230736.
Hereditary hemorrhagic telangiectasia (HHT). Also called: ORW DISEASE; Osler Weber Rendu syndrome; OSLER-RENDU-WEBER DISEASE; Osler hemorrhagic telangiectasia syndrome. Identifiers: Orphanet 774, MedGen C0039445, MONDO:0019180. Disease mechanism: loss of function.

Submissions (2):

Ambry Genetics
Classification: Pathogenic for Cardiovascular phenotype. Last evaluated: 2021-08-17. Review status: criteria provided, single submitter. Criteria: Ambry Variant Classification Scheme 2023. Collection method: clinical testing. Allele origin: germline.
Comment: The c.100dupT pathogenic mutation, located in coding exon 2 of the ACVRL1 gene, results from a duplication of T at nucleotide position 100, causing a translational frameshift with a predicted alternate stop codon (p.C34Lfs*4). This alteration has been reported in individuals suspected to have hereditary hemorrhagic telangiectasia (HHT) (McDonald J et al. Clin Genet, 2011 Apr;79:335-44; Koenighofer M et al. Clin Exp Otorhinolaryngol, 2019 Nov;12:405-411). This variant is considered to be rare based on population cohorts in the Genome Aggregation Database (gnomAD). In addition, this alteration is expected to result in loss of function by premature protein truncation or nonsense-mediated mRNA decay. As such, this alteration is interpreted as a disease-causing mutation.

Genetics, Medical University of Vienna
Classification: Likely pathogenic for Hereditary hemorrhagic telangiectasia. Last evaluated: 2024-11-01. Review status: no assertion criteria provided. Collection method: research. Allele origin: germline. Affected: yes. Not counted in ClinVar's aggregate classification.

Literature cited by the submitters: PubMed 21158752 (cited by Ambry Genetics); PubMed 31220907 (cited by Ambry Genetics and Genetics, Medical University of Vienna).

NM_000020.3(ACVRL1):c.100dup (p.Cys34fs)

Gene: ACVRL1 (activin A receptor like type 1; plus strand). Cytogenetic location: 12q13.13.
Variant type: Duplication.
Coding change: c.100dup on transcript NM_000020.3 (MANE Select); coding-DNA position 100, one base duplicated (T; older notation c.100dupT).
Protein change: p.Cys34fs; shifts the reading frame from cysteine 34.
Molecular consequence: frameshift variant.
Genome position (GRCh38, 1-based): chr12:51,913,137, T duplicated. VCF-style (leftmost placement, unchanged base first): chr12-51913136-C-CT. GRCh37 (hg19) VCF-style: chr12-52306920-C-CT.
Other names: c.100dupT (NM_000020.2, NM_000020.3); c.100dup, p.Cys34fs (NM_001077401.2); short protein forms C34fs.
Identifiers: ClinVar variation 444102 (VCV000444102.4), dbSNP rs1555152440, ClinGen allele CA658653654.